The following is an entry in ClinVar:

NM_153026.3(PRICKLE1):c.1607C>T (p.Ser536Leu)

Gene: PRICKLE1 (prickle planar cell polarity protein 1; minus strand). Cytogenetic location: 12q12.
Variant type: single nucleotide variant.
Coding change: c.1607C>T on transcript NM_153026.3 (MANE Select); coding-DNA position 1607, C replaced by T.
Protein change: p.Ser536Leu; replaces serine 536 with leucine.
Molecular consequence: missense variant.
Genome position (GRCh38, 1-based): chr12:42,464,427, G>A on the plus strand (C>T on the coding strand, the complement: PRICKLE1 is on the minus strand). VCF-style: chr12-42464427-G-A. GRCh37 (hg19) VCF-style: chr12-42858229-G-A.
Other names: c.1607C>T, p.Ser536Leu (NM_001144881.2, NM_001144882.2, NM_001144883.2); short protein forms S536L.
Identifiers: ClinVar variation 71522 (VCV000071522.7), dbSNP rs150766064, ClinGen allele CA6519733.

ClinVar aggregate classification (germline): Uncertain significance (1 of 4 stars; one submission).

Conditions:
Epilepsy, progressive myoclonic, 1B. Also called: PME. Identifiers: Orphanet 308, MedGen C2676254, MONDO:0012904, OMIM 612437.

Allele frequency attached by ClinVar (database versions not stated): gnomAD 0.00001; gnomAD exomes 0.00001; ExAC 0.00002.
gnomAD v4.1: 22 of 1,613,852 alleles (0.0014%); highest among the groups gnomAD compares: South Asian, 0.0099%; no homozygotes.

Submission:

Labcorp Genetics (formerly Invitae), Labcorp
Classification: Uncertain significance for Epilepsy, progressive myoclonic, 1B. Last evaluated: 2022-07-05. Review status: criteria provided, single submitter. Criteria: Invitae Variant Classification Sherloc (09022015). Collection method: clinical testing. Allele origin: germline.
Comment: In summary, the available evidence is currently insufficient to determine the role of this variant in disease. Therefore, it has been classified as a Variant of Uncertain Significance. Algorithms developed to predict the effect of missense changes on protein structure and function (SIFT, PolyPhen-2, Align-GVGD) all suggest that this variant is likely to be disruptive. ClinVar contains an entry for this variant (Variation ID: 71522). This variant has not been reported in the literature in individuals affected with PRICKLE1-related conditions. This variant is present in population databases (rs150766064, gnomAD 0.01%). This sequence change replaces serine, which is neutral and polar, with leucine, which is neutral and non-polar, at codon 536 of the PRICKLE1 protein (p.Ser536Leu).